The following is an entry in ClinVar:

NM_000540.3(RYR1):c.13479_13484dup (p.4489PE[6])

Gene: RYR1 (ryanodine receptor 1; plus strand). Cytogenetic location: 19q13.2.
Variant type: Duplication.
Coding change: c.13479_13484dup on transcript NM_000540.3 (MANE Select); coding-DNA positions 13479 to 13484, 6 bases duplicated (CGAGCC; older notation c.13479_13484dupCGAGCC).
Protein change: p.4489PE[6].
Molecular consequence: inframe insertion.
Genome position (GRCh38, 1-based): chr19:38,566,952-38,566,957, CGAGCC duplicated; duplicating any 6 consecutive bases within chr19:38,566,947-38,566,957 gives the same sequence; the c. name uses the placement nearest the transcript's 3' end. VCF-style (leftmost placement, unchanged base first): chr19-38566946-A-AGAGCCC. GRCh37 (hg19) VCF-style: chr19-39057586-A-AGAGCCC.
Other names: c.13464_13469dup, p.4484PE[6] (NM_001042723.2).
Identifiers: ClinVar variation 972544 (VCV000972544.11), dbSNP rs765913714, ClinGen allele CA9415941.

ClinVar aggregate classification (germline): Uncertain significance. Review status: criteria provided, multiple submitters, no conflicts (2 of 4 stars). 3 submissions from 3 submitters: Uncertain significance (3). Last evaluated 2025-09-12.

Conditions:
RYR1-related disorder. Also called: RYR1-related condition; RYR1-related disorders. Identifiers: MedGen CN239331.
Malignant hyperthermia, susceptibility to, 1 (MHS1). Also called: Anesthesia related hyperthermia; Malignant hyperpyrexia; Fulminating hyperpyrexia; Pharmacogenic myopathy; Malignant hyperthermia suceptibility 1; RYR1-Related Malignant Hyperthermia Susceptibility. Identifiers: Orphanet 423, MedGen C2930980, MONDO:0007783, OMIM 145600.

Submissions (3):

Color Diagnostics, LLC DBA Color Health
Classification: Uncertain significance for Malignant hyperthermia, susceptibility to, 1. Last evaluated: 2025-09-12. Review status: criteria provided, single submitter. Criteria: ACMG Guidelines, 2015. Collection method: clinical testing. Allele origin: germline.
Comment: This variant results in the in-frame insertion of two amino acids in the RYR1 protein. To our knowledge, functional studies have not been reported for this variant. This variant has not been reported in individuals affected with RYR1-related disorders in the literature. This variant has been identified in 4/235470 chromosomes in the general population by the Genome Aggregation Database (gnomAD). The available evidence is insufficient to determine the role of this variant in disease conclusively. Therefore, this variant is classified as a Variant of Uncertain Significance.

Labcorp Genetics (formerly Invitae), Labcorp
Classification: Uncertain significance for RYR1-related disorder. Last evaluated: 2024-11-18. Review status: criteria provided, single submitter. Criteria: Invitae Variant Classification Sherloc (09022015). Collection method: clinical testing. Allele origin: germline.
Comment: This variant, c.13479_13484dup, results in the insertion of 2 amino acid(s) of the RYR1 protein (p.Pro4497_Glu4498dup), but otherwise preserves the integrity of the reading frame. This variant is present in population databases (rs765913714, gnomAD 0.009%). This variant has not been reported in the literature in individuals affected with RYR1-related conditions. ClinVar contains an entry for this variant (Variation ID: 972544). Experimental studies and prediction algorithms are not available or were not evaluated, and the functional significance of this variant is currently unknown. In summary, the available evidence is currently insufficient to determine the role of this variant in disease. Therefore, it has been classified as a Variant of Uncertain Significance.

All of Us Research Program, National Institutes of Health
Classification: Uncertain significance for Malignant hyperthermia, susceptibility to, 1. Last evaluated: 2024-04-17. Review status: criteria provided, single submitter. Criteria: ACMG Guidelines, 2015. Collection method: clinical testing. Allele origin: germline. Inheritance: Autosomal dominant inheritance. Observed: 6 variant alleles, 6 heterozygotes.
Comment: This variant results in the in-frame insertion of two amino acids in the RYR1 protein. To our knowledge, functional studies have not been reported for this variant. This variant has not been reported in individuals affected with RYR1-related disorders in the literature. This variant has been identified in 4/235470 chromosomes in the general population by the Genome Aggregation Database (gnomAD). The available evidence is insufficient to determine the role of this variant in disease conclusively. Therefore, this variant is classified as a Variant of Uncertain Significance.

This study involves interpretation of variants in research participants for the purpose of population health screening. Participant phenotype was not available at the time of variant classification. Additional details can be found in publication PMID: 35346344, PMCID: PMC8962531